The following is an entry in ClinVar:

ClinVar aggregate classification (germline): Likely benign. Review status: criteria provided, multiple submitters, no conflicts (2 of 4 stars). 6 submissions from 6 submitters: Likely benign (4). 2 of the submissions do not count toward it. Last evaluated 2026-02-01.

Allele frequency attached by ClinVar (database versions not stated): gnomAD 0.00007; gnomAD exomes 0.00011; ExAC 0.00013; ESP Exome Variant Server 0.00015; 1000 Genomes Project 0.00100.

Submissions (6):

CeGaT Center for Human Genetics Tuebingen
Classification: Likely benign. Last evaluated: 2026-02-01. Review status: criteria provided, single submitter. Criteria: CeGaT Center For Human Genetics Tuebingen Variant Classification Criteria Version 2. Collection method: clinical testing. Allele origin: germline. Affected: yes. Observed: 12 variant alleles.
Comment: TTN: BP4

GeneDx
Classification: Likely benign. Last evaluated: 2021-06-24. Review status: criteria provided, single submitter. Criteria: GeneDx Variant Classification Process June 2021. Collection method: clinical testing. Allele origin: germline. Affected: yes.

Blueprint Genetics
Classification: Likely benign. Last evaluated: 2018-01-29. Review status: criteria provided, single submitter. Criteria: ACMG Guidelines, 2015. Collection method: clinical testing. Allele origin: germline.

Eurofins Ntd Llc (ga)
Classification: Likely benign. Last evaluated: 2016-10-18. Review status: criteria provided, single submitter. Criteria: EGL Classification Definitions 2015. Collection method: clinical testing. Allele origin: germline. Observed: 1 variant allele.

Joint Genome Diagnostic Labs from Nijmegen and Maastricht, Radboudumc and MUMC+
Classification: Likely benign. Review status: no assertion criteria provided. Collection method: clinical testing. Allele origin: germline. Affected: yes. Study: VKGL Data-share Consensus. Not counted in ClinVar's aggregate classification.

Laboratory of Diagnostic Genome Analysis, Leiden University Medical Center (LUMC)
Classification: Likely benign. Review status: no assertion criteria provided. Collection method: clinical testing. Allele origin: germline. Affected: yes. Study: VKGL Data-share Consensus. Not counted in ClinVar's aggregate classification.

NM_133379.5(TTN):c.15280A>C (p.Arg5094=)

Gene: TTN (titin; minus strand). Cytogenetic location: 2q31.2.
Variant type: single nucleotide variant.
Coding change: c.15280A>C on transcript NM_133379.5; coding-DNA position 15280, A replaced by C.
Protein change: p.Arg5094=; no amino-acid change (arginine 5094 retained).
Molecular consequence: synonymous variant. On other transcripts: intron variant (6).
Genome position (GRCh38, 1-based): chr2:178,747,120, T>G on the plus strand (A>C on the coding strand, the complement: TTN is on the minus strand). VCF-style: chr2-178747120-T-G. GRCh37 (hg19) VCF-style: chr2-179611847-T-G.
Other names: c.10223-5199A>C (NM_003319.4); c.10799-5199A>C (NM_133437.4); c.10598-5199A>C (NM_133432.3); c.10360+6004A>C (NM_133378.4); c.10361-5199A>C (NM_001256850.1); c.11312-5199A>C (NM_001267550.2).
Identifiers: ClinVar variation 378979 (VCV000378979.52), dbSNP rs141105907, ClinGen allele CA2003131.
Genomic context (GRCh38, chr2:178,747,120, plus strand): 5'-GTGCCTCCCCTGGGGGTGTGGAATATCGCTCTAGAGTCTCTCCTGGGGGTGTGGAGTATC[T>G]CTCCAGAGTCTCTCCTGGGGGTGTGGAATATCTCTCTAGAGTCTCTCCTGGGGGTGTGGA-3'